The following is an entry in ClinVar:

ClinVar aggregate classification (germline): Pathogenic (1 of 4 stars; one submission).

Conditions:
ACCES syndrome (ACCES). Also called: APLASIA CUTIS CONGENITA WITH ECTRODACTYLY SKELETAL SYNDROME. Identifiers: MedGen C5677019, MONDO:0859262, OMIM 619959.

Submission:

Institute of Human Genetics, University of Leipzig Medical Center
Classification: Pathogenic for ACCES syndrome. Last evaluated: 2024-03-01. Review status: criteria provided, single submitter. Criteria: ACMG Guidelines, 2015. Collection method: clinical testing. Allele origin: de novo. Inheritance: Autosomal dominant inheritance. Affected: yes.
Comment: Criteria applied: PVS1,PS2_MOD,PM2_SUP

NM_005499.3(UBA2):c.649+1G>A

Gene: UBA2 (ubiquitin like modifier activating enzyme 2; plus strand). Cytogenetic location: 19q13.11.
Variant type: single nucleotide variant.
Coding change: c.649+1G>A on transcript NM_005499.3 (MANE Select); the canonical splice donor site of the intron after coding-DNA position 649, G replaced by A.
Molecular consequence: splice donor variant.
Genome position (GRCh38, 1-based): chr19:34,443,912, G>A. VCF-style: chr19-34443912-G-A. GRCh37 (hg19) VCF-style: chr19-34934817-G-A.
Other names: c.361+1G>A (NM_001411139.1).
Identifiers: ClinVar variation 3024531 (VCV003024531.2), dbSNP rs2513944405, ClinGen allele CA405255016.